The following is an entry in ClinVar:

ClinVar aggregate classification (germline): Uncertain significance. Review status: criteria provided, single submitter (1 of 4 stars). 2 submissions from 2 submitters: Uncertain significance (1). 1 of the submissions does not count toward it. Last evaluated 2024-10-07.

Conditions:
Inborn genetic diseases. Identifiers: MedGen C0950123, MeSH D030342.
SDCCAG8-related disorder. Also called: SDCCAG8-Related Disorders; SDCCAG8-related condition.

gnomAD v4.1: 11 of 1,614,084 alleles (0.00068%); highest among the groups gnomAD compares: African/African-American, 0.0013%; no homozygotes.

Submissions (2):

Ambry Genetics
Classification: Uncertain significance for Inborn genetic diseases. Last evaluated: 2024-10-07. Review status: criteria provided, single submitter. Criteria: Ambry Variant Classification Scheme 2023. Collection method: clinical testing. Allele origin: germline.

PreventionGenetics, part of Exact Sciences
Classification: Uncertain significance for SDCCAG8-related condition. Last evaluated: 2024-05-03. Review status: no assertion criteria provided. Collection method: clinical testing. Allele origin: germline. Not counted in ClinVar's aggregate classification.
Comment: The SDCCAG8 c.598G>A variant is predicted to result in the amino acid substitution p.Glu200Lys. To our knowledge, this variant has not been reported in the literature. This variant is reported in 0.0033% of alleles in individuals of South Asian descent in gnomAD. At this time, the clinical significance of this variant is uncertain due to the absence of conclusive functional and genetic evidence.

NM_006642.5(SDCCAG8):c.598G>A (p.Glu200Lys)

Gene: SDCCAG8 (SHH signaling and ciliogenesis regulator SDCCAG8; plus strand). Cytogenetic location: 1q43.
Variant type: single nucleotide variant.
Coding change: c.598G>A on transcript NM_006642.5 (MANE Select); coding-DNA position 598, G replaced by A.
Protein change: p.Glu200Lys; replaces glutamic acid 200 with lysine.
Molecular consequence: missense variant. On other transcripts: 5 prime UTR variant (3).
Genome position (GRCh38, 1-based): chr1:243,293,142, G>A. VCF-style: chr1-243293142-G-A. GRCh37 (hg19) VCF-style: chr1-243456444-G-A.
Other names: c.-515G>A (NM_001350246.2); c.-403G>A (NM_001350247.2); c.598G>A, p.Glu200Lys (NM_001350248.2); c.304G>A, p.Glu102Lys (NM_001350249.2); c.-776G>A (NM_001350251.2); short protein forms E102K, E200K.
Identifiers: ClinVar variation 3345754 (VCV003345754.2).